The following is an entry in ClinVar:

ClinVar aggregate classification (germline): Uncertain significance (1 of 4 stars; one submission).

Submission:

Labcorp Genetics (formerly Invitae), Labcorp
Classification: Uncertain significance. Last evaluated: 2025-11-03. Review status: criteria provided, single submitter. Criteria: Invitae Variant Classification Sherloc (09022015). Collection method: clinical testing. Allele origin: germline.
Comment: This sequence change replaces phenylalanine, which is neutral and non-polar, with serine, which is neutral and polar, at codon 326 of the SLC7A14 protein (p.Phe326Ser). This variant is present in population databases (rs771394792, gnomAD 0.003%). This variant has not been reported in the literature in individuals affected with SLC7A14-related conditions. An algorithm developed to predict the effect of missense changes on protein structure and function (PolyPhen-2) suggests that this variant is likely to be disruptive. In summary, the available evidence is currently insufficient to determine the role of this variant in disease. Therefore, it has been classified as a Variant of Uncertain Significance.

NM_020949.3(SLC7A14):c.977T>C (p.Phe326Ser)

Genes: SLC7A14 (solute carrier family 7 member 14; minus strand), SLC7A14-AS1 (SLC7A14 antisense RNA 1; plus strand). Cytogenetic location: 3q26.2.
Variant type: single nucleotide variant.
Coding change: c.977T>C on transcript NM_020949.3 (MANE Select); coding-DNA position 977, T replaced by C.
Protein change: p.Phe326Ser; replaces phenylalanine 326 with serine.
Molecular consequence: missense variant.
Genome position (GRCh38, 1-based): chr3:170,483,452, A>G on the plus strand (T>C on the coding strand, the complement: SLC7A14 is on the minus strand). VCF-style: chr3-170483452-A-G. GRCh37 (hg19) VCF-style: chr3-170201241-A-G.
Other names: short protein forms F326S.
Identifiers: ClinVar variation 4730439 (VCV004730439.1).